The following is an entry in ClinVar:

NM_004304.5(ALK):c.3541C>T (p.Arg1181Cys)

Gene: ALK (ALK receptor tyrosine kinase; minus strand). Cytogenetic location: 2p23.2.
Variant type: single nucleotide variant.
Coding change: c.3541C>T on transcript NM_004304.5 (MANE Select); coding-DNA position 3541, C replaced by T.
Protein change: p.Arg1181Cys; replaces arginine 1181 with cysteine.
Molecular consequence: missense variant.
Genome position (GRCh38, 1-based): chr2:29,220,810, G>A on the plus strand (C>T on the coding strand, the complement: ALK is on the minus strand). VCF-style: chr2-29220810-G-A. GRCh37 (hg19) VCF-style: chr2-29443676-G-A.
Other names: c.337C>T, p.Arg113Cys (NM_001353765.2); short protein forms R1181C, R113C.
Identifiers: ClinVar variation 538181 (VCV000538181.17), dbSNP rs56315533, ClinGen allele CA1593866.

ClinVar aggregate classification (germline): Uncertain significance. Review status: criteria provided, multiple submitters, no conflicts (2 of 4 stars). 4 submissions from 4 submitters: Uncertain significance (4). Last evaluated 2026-01-19.

Conditions:
Hereditary cancer-predisposing syndrome. Also called: Neoplastic Syndromes, Hereditary; Tumor predisposition; Hereditary Cancer Syndrome; Hereditary neoplastic syndrome. Identifiers: Orphanet 140162, MedGen C0027672, MeSH D009386, MONDO:0015356.
Neuroblastoma, susceptibility to, 3. Also called: ALK-Related Neuroblastic Tumor Susceptibility. Identifiers: Orphanet 635, MedGen C2751681, MONDO:0013083, OMIM 613014.

Allele frequency attached by ClinVar (database versions not stated): gnomAD 0.00001 and 0.00003; TOPMed 0.00003; gnomAD exomes 0.00004; ExAC 0.00007.
gnomAD v4.1: 60 of 1,614,014 alleles (0.0037%); highest among the groups gnomAD compares: Non-Finnish European, 0.0044%; no homozygotes.

Submissions (4):

Labcorp Genetics (formerly Invitae), Labcorp
Classification: Uncertain significance for Neuroblastoma, susceptibility to, 3. Last evaluated: 2026-01-19. Review status: criteria provided, single submitter. Criteria: Invitae Variant Classification Sherloc (09022015). Collection method: clinical testing. Allele origin: germline.
Comment: This sequence change replaces arginine, which is basic and polar, with cysteine, which is neutral and slightly polar, at codon 1181 of the ALK protein (p.Arg1181Cys). This variant is present in population databases (rs56315533, gnomAD 0.008%). This variant has not been reported in the literature in individuals affected with ALK-related conditions. ClinVar contains an entry for this variant (Variation ID: 538181). An algorithm developed to predict the effect of missense changes on protein structure and function (PolyPhen-2) suggests that this variant is likely to be disruptive. In summary, the available evidence is currently insufficient to determine the role of this variant in disease. Therefore, it has been classified as a Variant of Uncertain Significance.

Ambry Genetics
Classification: Uncertain significance for Hereditary cancer-predisposing syndrome. Last evaluated: 2024-10-22. Review status: criteria provided, single submitter. Criteria: Ambry Variant Classification Scheme 2023. Collection method: clinical testing. Allele origin: germline.
Comment: The p.R1181C variant (also known as c.3541C>T), located in coding exon 23 of the ALK gene, results from a C to T substitution at nucleotide position 3541. The arginine at codon 1181 is replaced by cysteine, an amino acid with highly dissimilar properties. This alteration has been reported in an individual diagnosed with an embryonal rhabdomyosarcoma (Hooper JE et al. Sarcoma, 2015 Nov;2015:826124). This amino acid position is highly conserved in available vertebrate species. In addition, this alteration is predicted to be deleterious by in silico analysis. Since supporting evidence is limited at this time, the clinical significance of this alteration remains unclear.

Baylor Genetics
Classification: Uncertain significance for Neuroblastoma, susceptibility to, 3. Last evaluated: 2024-02-24. Review status: criteria provided, single submitter. Criteria: ACMG Guidelines, 2015. Collection method: clinical testing. Allele origin: unknown.

GeneDx
Classification: Uncertain significance. Last evaluated: 2023-12-14. Review status: criteria provided, single submitter. Criteria: GeneDx Variant Classification Process June 2021. Collection method: clinical testing. Allele origin: germline. Affected: yes.
Comment: In silico analysis supports that this missense variant has a deleterious effect on protein structure/function; Observed in a child with a developmental disorder in published literature (PMID: 31785789); This variant is associated with the following publications: (PMID: 26696773, 25714698, 31785789)

Literature cited by the submitters: PubMed 26696773 (cited by Ambry Genetics).